The following is an entry in ClinVar:

ClinVar aggregate classification (germline): Conflicting classifications of pathogenicity. Review status: criteria provided, conflicting classifications (1 of 4 stars). 8 submissions from 8 submitters: Uncertain significance (5); Likely benign (3). Last evaluated 2026-01-04.

Conditions:
Intrauterine growth retardation, metaphyseal dysplasia, adrenal hypoplasia congenita, genital anomalies, and immunodeficiency. Also called: IMAGEI SYNDROME. Identifiers: MedGen C5193036, MONDO:0032684, OMIM 618336.
Colorectal cancer, susceptibility to, 12 (CRCS12). Also called: COLORECTAL CANCER, SUSCEPTIBILITY TO, ON CHROMOSOME 12q24. Identifiers: Orphanet 220460, MedGen C3554460, MONDO:0014038, OMIM 615083.
Facial dysmorphism-immunodeficiency-livedo-short stature syndrome. Also called: FILS syndrome; Facial dysmorphism, immunodeficiency, livedo, and short stature. Identifiers: Orphanet 352712, MedGen C3554576, MONDO:0014058, OMIM 615139.
Hereditary cancer-predisposing syndrome. Also called: Neoplastic Syndromes, Hereditary; Hereditary Cancer Syndrome; Tumor predisposition; Hereditary neoplastic syndrome. Identifiers: Orphanet 140162, MedGen C0027672, MeSH D009386, MONDO:0015356.

Allele frequency attached by ClinVar (database versions not stated): ExAC 0.00003; gnomAD 0.00003 and 0.00004; TOPMed 0.00004; ESP Exome Variant Server 0.00015.
gnomAD v4.1: 165 of 1,614,042 alleles (0.01%); highest among the groups gnomAD compares: Non-Finnish European, 0.013%; 1 homozygote.

Submissions (8):

Labcorp Genetics (formerly Invitae), Labcorp
Classification: Uncertain significance. Last evaluated: 2026-01-04. Review status: criteria provided, single submitter. Criteria: Invitae Variant Classification Sherloc (09022015). Collection method: clinical testing. Allele origin: germline.
Comment: This sequence change replaces isoleucine, which is neutral and non-polar, with valine, which is neutral and non-polar, at codon 1423 of the POLE protein (p.Ile1423Val). This variant is present in population databases (rs139498590, gnomAD 0.006%). This variant has not been reported in the literature in individuals affected with POLE-related conditions. ClinVar contains an entry for this variant (Variation ID: 240509). Invitae Evidence Modeling of protein sequence and biophysical properties (such as structural, functional, and spatial information, amino acid conservation, physicochemical variation, residue mobility, and thermodynamic stability) indicates that this missense variant is not expected to disrupt POLE protein function with a negative predictive value of 80%. In summary, the available evidence is currently insufficient to determine the role of this variant in disease. Therefore, it has been classified as a Variant of Uncertain Significance.

Ambry Genetics
Classification: Likely benign for Hereditary cancer-predisposing syndrome. Last evaluated: 2024-12-05. Review status: criteria provided, single submitter. Criteria: Ambry Variant Classification Scheme 2023. Collection method: clinical testing. Allele origin: germline.

St. Jude Molecular Pathology, St. Jude Children's Research Hospital
Classification: Uncertain significance for Colorectal cancer, susceptibility to, 12. Last evaluated: 2024-07-05. Review status: criteria provided, single submitter. Criteria: St. Jude Assertion Criteria 2020. Collection method: clinical testing. Allele origin: germline.
Comment: The POLE c.4267A>G (p.Ile1423Val) missense change has a maximum subpopulation frequency of 0.005% in gnomAD v2.1.1. The in silico tool REVEL predicts a benign effect on protein function, but to our knowledge this prediction has not been confirmed by functional studies. To our knowledge, this variant has not been reported in the literature in individuals with POLE-related disease. In summary, the evidence currently available is insufficient to determine the clinical significance of this variant. It has therefore been classified as of uncertain significance.

GeneDx
Classification: Uncertain significance. Last evaluated: 2024-04-23. Review status: criteria provided, single submitter. Criteria: GeneDx Variant Classification Process June 2021. Collection method: clinical testing. Allele origin: germline. Affected: yes.
Comment: In silico analysis supports that this missense variant does not alter protein structure/function; Observed in controls and absent in individuals with ovarian cancer in a case-control study (PMID: 32546565); This variant is associated with the following publications: (PMID: 25801821, 32546565)

Fulgent Genetics
Classification: Uncertain significance for Colorectal cancer, susceptibility to, 12; Facial dysmorphism-immunodeficiency-livedo-short stature syndrome; Intrauterine growth retardation, metaphyseal dysplasia, adrenal hypoplasia congenita, genital anomalies, and immunodeficiency. Last evaluated: 2023-12-28. Review status: criteria provided, single submitter. Criteria: ACMG Guidelines, 2015. Collection method: clinical testing. Allele origin: germline.

Blueprint Genetics
Classification: Likely benign. Last evaluated: 2023-05-04. Review status: criteria provided, single submitter. Criteria: ACMG Guidelines, 2015. Collection method: clinical testing. Allele origin: germline.

Sema4
Classification: Likely benign for Hereditary cancer-predisposing syndrome. Last evaluated: 2021-01-29. Review status: criteria provided, single submitter. Criteria: Sema4 Curation Guidelines. Collection method: curation. Allele origin: germline.

Quest Diagnostics Nichols Institute San Juan Capistrano
Classification: Uncertain significance. Last evaluated: 2018-05-08. Review status: criteria provided, single submitter. Criteria: Quest Diagnostics criteria. Collection method: clinical testing. Allele origin: germline.

NM_006231.4(POLE):c.4267A>G (p.Ile1423Val)

Gene: POLE (DNA polymerase epsilon, catalytic subunit; minus strand). Cytogenetic location: 12q24.33.
Variant type: single nucleotide variant.
Coding change: c.4267A>G on transcript NM_006231.4 (MANE Select); coding-DNA position 4267, A replaced by G.
Protein change: p.Ile1423Val; replaces isoleucine 1423 with valine.
Molecular consequence: missense variant.
Genome position (GRCh38, 1-based): chr12:132,643,860, T>C on the plus strand (A>G on the coding strand, the complement: POLE is on the minus strand). VCF-style: chr12-132643860-T-C. GRCh37 (hg19) VCF-style: chr12-133220446-T-C.
Other names: short protein forms I1423V.
Identifiers: ClinVar variation 240509 (VCV000240509.22), dbSNP rs139498590, ClinGen allele CA6892928.